The following is an entry in ClinVar:

NM_000053.4(ATP7B):c.1360A>G (p.Thr454Ala)

Gene: ATP7B (ATPase copper transporting beta; minus strand). Cytogenetic location: 13q14.3.
Variant type: single nucleotide variant.
Coding change: c.1360A>G on transcript NM_000053.4 (MANE Select); coding-DNA position 1360, A replaced by G.
Protein change: p.Thr454Ala; replaces threonine 454 with alanine.
Molecular consequence: missense variant. On other transcripts: intron variant (1).
Genome position (GRCh38, 1-based): chr13:51,970,675, T>C on the plus strand (A>G on the coding strand, the complement: ATP7B is on the minus strand). VCF-style: chr13-51970675-T-C. GRCh37 (hg19) VCF-style: chr13-52544811-T-C.
Other names: c.1360A>G, p.Thr454Ala (NM_001406520.1, NM_001406521.1, NM_001406522.1 and 28 more transcripts); c.1264A>G, p.Thr422Ala (NM_001406543.1, NM_001406544.1, NM_001406517.1 and 3 more transcripts); c.1285+3260A>G (NM_001406548.1); c.1027A>G, p.Thr343Ala (NM_001243182.2); c.931A>G, p.Thr311Ala (NM_001406539.1); short protein forms T311A, T343A, T422A, T454A.
Identifiers: ClinVar variation 4758072 (VCV004758072.1).
Genomic context (GRCh38, chr13:51,970,675, plus strand): 5'-TGTCCGGGGCATGGTTTGCAGGGAGCCTCCCAGTGTGGGGAGCCACTTCCTGCACAGATG[T>C]AGGTGTACCATCTGTAGTTTGCACCATGGAATTCCCAGCACTGTGGTTTCCAAGAGGGTT-3'
Protein context (NP_000044.2, residues 444-464): SMVQTTDGTP[Thr454Ala]SVQEVAPHTG

ClinVar aggregate classification (germline): Uncertain significance (1 of 4 stars; one submission).

Conditions:
Wilson disease (WND). Also called: Wilson's disease. Identifiers: Orphanet 905, MedGen C0019202, MONDO:0010200, OMIM 277900. Disease mechanism: loss of function.

gnomAD v4.1: 1 of 1,614,054 alleles (0.000062%); highest among the groups gnomAD compares: East Asian, 0.0022%; no homozygotes.

Submission:

Color Diagnostics, LLC DBA Color Health
Classification: Uncertain significance for Wilson disease. Last evaluated: 2025-08-25. Review status: criteria provided, single submitter. Criteria: ACMG Guidelines, 2015. Collection method: clinical testing. Allele origin: germline.
Comment: This missense variant replaces threonine with alanine at codon 454 of the ATP7B protein. Computational prediction suggests that this variant may not impact protein structure and function. To our knowledge, functional studies have not been reported for this variant. This variant has not been reported in individuals affected with ATP7B-related disorders in the literature. This variant has been identified in 1/249226 chromosomes in the general population by the Genome Aggregation Database (gnomAD). The available evidence is insufficient to determine the role of this variant in disease conclusively. Therefore, this variant is classified as a Variant of Uncertain Significance.